The following is an entry in ClinVar:

NM_002299.4(LCT):c.1154G>T (p.Gly385Val)

Genes: LCT (lactase; minus strand), LOC126806353 (BRD4-independent group 4 enhancer GRCh37_chr2:136574960-136576159; plus strand). Cytogenetic location: 2q21.3.
Variant type: single nucleotide variant.
Coding change: c.1154G>T on transcript NM_002299.4 (MANE Select); coding-DNA position 1154, G replaced by T.
Protein change: p.Gly385Val; replaces glycine 385 with valine.
Molecular consequence: missense variant.
Genome position (GRCh38, 1-based): chr2:135,817,894, C>A on the plus strand (G>T on the coding strand, the complement: LCT is on the minus strand). VCF-style: chr2-135817894-C-A. GRCh37 (hg19) VCF-style: chr2-136575464-C-A.
Other names: short protein forms G385V.
Identifiers: ClinVar variation 2066187 (VCV002066187.4), dbSNP rs1056590252, ClinGen allele CA56623743.
Genomic context (GRCh38, chr2:135,817,894, plus strand): 5'-CCACCCTCGGCCCAGCCTCCTTCCACGTTAAAGGCTCCTGTGGAGGCACCCCAGAGGAAG[C>A]CTTCAGGGAAAGTATCCTGCAGGAAGGCATCCCTTTCCGCCCTGGACTGATTGGCAAATG-3'
Protein context (NP_002290.2, residues 375-395): DAFLQDTFPE[Gly385Val]FLWGASTGAF

ClinVar aggregate classification (germline): Uncertain significance (1 of 4 stars; one submission).

Allele frequency attached by ClinVar (database versions not stated): TOPMed 0.00002.
gnomAD v4.1: 4 of 1,613,930 alleles (0.00025%); highest among the groups gnomAD compares: Admixed American, 0.0017%; no homozygotes.

Submission:

Labcorp Genetics (formerly Invitae), Labcorp
Classification: Uncertain significance. Last evaluated: 2022-07-14. Review status: criteria provided, single submitter. Criteria: Invitae Variant Classification Sherloc (09022015). Collection method: clinical testing. Allele origin: germline.
Comment: In summary, the available evidence is currently insufficient to determine the role of this variant in disease. Therefore, it has been classified as a Variant of Uncertain Significance. Algorithms developed to predict the effect of missense changes on protein structure and function are either unavailable or do not agree on the potential impact of this missense change (SIFT: "Not Available"; PolyPhen-2: "Probably Damaging"; Align-GVGD: "Not Available"). This variant has not been reported in the literature in individuals affected with LCT-related conditions. This variant is present in population databases (no rsID available, gnomAD 0.003%). This sequence change replaces glycine, which is neutral and non-polar, with valine, which is neutral and non-polar, at codon 385 of the LCT protein (p.Gly385Val).